The following is an entry in ClinVar:

NM_015046.7(SETX):c.6341A>G (p.Glu2114Gly)

Gene: SETX (senataxin; minus strand). Cytogenetic location: 9q34.13.
Variant type: single nucleotide variant.
Coding change: c.6341A>G on transcript NM_015046.7 (MANE Select); coding-DNA position 6341, A replaced by G.
Protein change: p.Glu2114Gly; replaces glutamic acid 2114 with glycine.
Molecular consequence: missense variant.
Genome position (GRCh38, 1-based): chr9:132,286,478, T>C on the plus strand (A>G on the coding strand, the complement: SETX is on the minus strand). VCF-style: chr9-132286478-T-C. GRCh37 (hg19) VCF-style: chr9-135161865-T-C.
Other names: c.6341A>G, p.Glu2114Gly (NM_001351527.2, NM_001351528.2); short protein forms E2114G.
Identifiers: ClinVar variation 968204 (VCV000968204.10), dbSNP rs957607977, ClinGen allele CA200810724.

ClinVar aggregate classification (germline): Uncertain significance (1 of 4 stars; one submission).

Conditions:
Amyotrophic lateral sclerosis type 4 (ALS4). Also called: NEURONOPATHY, DISTAL HEREDITARY MOTOR, WITH PYRAMIDAL FEATURES; AMYOTROPHIC LATERAL SCLEROSIS 4, JUVENILE. Identifiers: Orphanet 357043, MedGen C1865409, MONDO:0011223, OMIM 602433.
Spinocerebellar ataxia, autosomal recessive, with axonal neuropathy 2 (SCAN2). Also called: ATAXIA-OCULOMOTOR APRAXIA 2; Ataxia with Oculomotor Apraxia; Ataxia-ocular apraxia-2; Ataxia with Oculomotor Apraxia Type 2. Identifiers: Orphanet 64753, MedGen C1853761, MONDO:0018996, OMIM 606002.

Submission:

Labcorp Genetics (formerly Invitae), Labcorp
Classification: Uncertain significance for Amyotrophic lateral sclerosis type 4; Spinocerebellar ataxia, autosomal recessive, with axonal neuropathy 2. Last evaluated: 2019-11-08. Review status: criteria provided, single submitter. Criteria: Invitae Variant Classification Sherloc (09022015). Collection method: clinical testing. Allele origin: germline.
Comment: In summary, the available evidence is currently insufficient to determine the role of this variant in disease. Therefore, it has been classified as a Variant of Uncertain Significance. This sequence change replaces glutamic acid with glycine at codon 2114 of the SETX protein (p.Glu2114Gly). The glutamic acid residue is moderately conserved and there is a moderate physicochemical difference between glutamic acid and glycine. This variant is not present in population databases (ExAC no frequency). Algorithms developed to predict the effect of missense changes on protein structure and function output the following: SIFT: "Deleterious"; PolyPhen-2: "Benign"; Align-GVGD: "Class C0". The glycine amino acid residue is found in multiple mammalian species, suggesting that this missense change does not adversely affect protein function. These predictions have not been confirmed by published functional studies and their clinical significance is uncertain. This variant has not been reported in the literature in individuals with SETX-related conditions.